The following is an entry in ClinVar:

ClinVar aggregate classification (germline): Uncertain significance (1 of 4 stars; one submission).

Conditions:
Familial adenomatous polyposis 1 (FAP1). Also called: FAMILIAL ADENOMATOUS POLYPOSIS 1, ATTENUATED; POLYPOSIS, ADENOMATOUS INTESTINAL. Identifiers: MedGen C2713442, MONDO:0021056, OMIM 175100. Disease mechanism: loss of function.

Submission:

Labcorp Genetics (formerly Invitae), Labcorp
Classification: Uncertain significance for Familial adenomatous polyposis 1. Last evaluated: 2021-10-13. Review status: criteria provided, single submitter. Criteria: Invitae Variant Classification Sherloc (09022015). Collection method: clinical testing. Allele origin: germline.
Comment: In summary, the available evidence is currently insufficient to determine the role of this variant in disease. Therefore, it has been classified as a Variant of Uncertain Significance. Algorithms developed to predict the effect of missense changes on protein structure and function output the following: SIFT: "Tolerated"; PolyPhen-2: "Benign"; Align-GVGD: "Class C0". The glutamic acid amino acid residue is found in multiple mammalian species, which suggests that this missense change does not adversely affect protein function. This variant has not been reported in the literature in individuals affected with APC-related conditions. This variant is not present in population databases (ExAC no frequency). This sequence change replaces aspartic acid with glutamic acid at codon 1825 of the APC protein (p.Asp1825Glu). The aspartic acid residue is highly conserved and there is a small physicochemical difference between aspartic acid and glutamic acid.

NM_000038.6(APC):c.5475T>G (p.Asp1825Glu)

Gene: APC (APC regulator of Wnt signaling pathway; plus strand). Cytogenetic location: 5q22.2.
Variant type: single nucleotide variant.
Coding change: c.5475T>G on transcript NM_000038.6 (MANE Select); coding-DNA position 5475, T replaced by G.
Protein change: p.Asp1825Glu; replaces aspartic acid 1825 with glutamic acid.
Molecular consequence: missense variant.
Genome position (GRCh38, 1-based): chr5:112,841,069, T>G. VCF-style: chr5-112841069-T-G. GRCh37 (hg19) VCF-style: chr5-112176766-T-G.
Other names: c.5475T>G, p.Asp1825Glu (NM_001127510.3, NM_001354895.2); c.5421T>G, p.Asp1807Glu (NM_001127511.3); c.5529T>G, p.Asp1843Glu (NM_001354896.2); c.5505T>G, p.Asp1835Glu (NM_001354897.2); c.5400T>G, p.Asp1800Glu (NM_001354898.2); c.5391T>G, p.Asp1797Glu (NM_001354899.2); c.5352T>G, p.Asp1784Glu (NM_001354900.2); c.5298T>G, p.Asp1766Glu (NM_001354901.2); and 5 more; short protein forms D1699E, D1766E, D1784E, D1797E, D1800E, D1835E, D1843E, D1665E.
Identifiers: ClinVar variation 1481563 (VCV001481563.6), dbSNP rs1554086751, ClinGen allele CA16033311.